The following is an entry in ClinVar:

NM_000218.3(KCNQ1):c.440A>T (p.Gln147Leu)

Gene: KCNQ1 (potassium voltage-gated channel subfamily Q member 1; plus strand). Cytogenetic location: 11p15.5.
Variant type: single nucleotide variant.
Coding change: c.440A>T on transcript NM_000218.3 (MANE Select); coding-DNA position 440, A replaced by T.
Protein change: p.Gln147Leu; replaces glutamine 147 with leucine.
Molecular consequence: missense variant.
Genome position (GRCh38, 1-based): chr11:2,527,981, A>T. VCF-style: chr11-2527981-A-T. GRCh37 (hg19) VCF-style: chr11-2549211-A-T.
Other names: c.440A>T, p.Gln147Leu (NM_001406836.1, NM_001406838.1); c.170A>T, p.Gln57Leu (NM_001406837.1); c.59A>T, p.Gln20Leu (NM_181798.2); short protein forms Q147L, Q20L, Q57L.
Identifiers: ClinVar variation 1312672 (VCV001312672.4), dbSNP rs199472689, ClinGen allele CA379121912.

ClinVar aggregate classification (germline): Uncertain significance (1 of 4 stars; one submission).

Submission:

GeneDx
Classification: Uncertain significance. Last evaluated: 2020-06-01. Review status: criteria provided, single submitter. Criteria: GeneDx Variant Classification Process June 2021. Collection method: clinical testing. Allele origin: germline. Affected: yes.
Comment: Has not been previously published as pathogenic or benign to our knowledge; Not observed in large population cohorts (Lek et al., 2016); In silico analysis supports that this missense variant has a deleterious effect on protein structure/function